The following is an entry in ClinVar:

ClinVar aggregate classification (germline): Uncertain significance (1 of 4 stars; one submission).

Conditions:
Neurodevelopmental disorder with hypotonia, brain anomalies, distinctive facies, and absent language. Also called: RNU4-2-Related Neurodevelopmental Disorder; RNU4-2–Related Autosomal Dominant Neurodevelopmental Disorder; ReNU SYNDROME. Identifiers: Orphanet 686488, MedGen C5935628, MONDO:0971172, OMIM 620851.

gnomAD v4.1: 1 of 152,224 alleles (0.00066%); highest among the groups gnomAD compares: East Asian, 0.019%; no homozygotes.

Submission:

Institute for Human Genetics, University Hospital Essen
Classification: Uncertain significance for Neurodevelopmental disorder with hypotonia, brain anomalies, distinctive facies, and absent language. Last evaluated: 2005-03-05. Review status: criteria provided, single submitter. Criteria: ACMG Guidelines, 2015. Collection method: clinical testing. Allele origin: de novo. Affected: yes.
Comment: PM2_supp, PS2

NR_003137.3(RNU4-2):n.92C>G

Genes: RNU4-2 (RNA, U4 small nuclear 2; minus strand), SIRT4 (sirtuin 4; plus strand). Cytogenetic location: 12q24.23.
Variant type: single nucleotide variant.
Molecular consequence: non-coding transcript variant (on NR_003137.3).
Genome position: GRCh38 VCF-style: chr12-120291812-G-C. GRCh37 (hg19) VCF-style: chr12-120729615-G-C.
Identifiers: ClinVar variation 3766431 (VCV003766431.1).